The following is an entry in ClinVar:

NM_001363118.2(SLC52A2):c.22C>T (p.Arg8Cys)

Gene: SLC52A2 (solute carrier family 52 member 2; plus strand). Cytogenetic location: 8q24.3.
Variant type: single nucleotide variant.
Coding change: c.22C>T on transcript NM_001363118.2 (MANE Select); coding-DNA position 22, C replaced by T.
Protein change: p.Arg8Cys; replaces arginine 8 with cysteine.
Molecular consequence: missense variant. On other transcripts: non-coding transcript variant (1).
Genome position (GRCh38, 1-based): chr8:144,359,315, C>T. VCF-style: chr8-144359315-C-T. GRCh37 (hg19) VCF-style: chr8-145582975-C-T.
Other names: c.22C>T, p.Arg8Cys (NM_001253815.2, NM_001253816.2, NM_001363120.2 and 3 more transcripts); short protein forms R8C.
Identifiers: ClinVar variation 846798 (VCV000846798.5), dbSNP rs782801416, ClinGen allele CA4938069.

ClinVar aggregate classification (germline): Uncertain significance (1 of 4 stars; one submission).

Conditions:
Brown-Vialetto-van Laere syndrome 2. Also called: SPINOCEREBELLAR ATAXIA WITH BLINDNESS AND DEAFNESS 2; Riboflavin transporter deficiency type 2. Identifiers: Orphanet 572543, Orphanet 97229, MedGen C3553538, MONDO:0013867, OMIM 614707.

Allele frequency attached by ClinVar (database versions not stated): gnomAD exomes 0.00001; ExAC 0.00001.
gnomAD v4.1: 7 of 1,613,552 alleles (0.00043%); highest among the groups gnomAD compares: Middle Eastern, 0.017%; no homozygotes.

Submission:

Labcorp Genetics (formerly Invitae), Labcorp
Classification: Uncertain significance for Brown-Vialetto-van Laere syndrome 2. Last evaluated: 2020-02-12. Review status: criteria provided, single submitter. Criteria: Invitae Variant Classification Sherloc (09022015). Collection method: clinical testing. Allele origin: germline.
Comment: In summary, the available evidence is currently insufficient to determine the role of this variant in disease. Therefore, it has been classified as a Variant of Uncertain Significance. Algorithms developed to predict the effect of missense changes on protein structure and function are either unavailable or do not agree on the potential impact of this missense change (SIFT: "Tolerated"; PolyPhen-2: "Possibly Damaging"; Align-GVGD: "Class C0"). This variant has not been reported in the literature in individuals with SLC52A2-related conditions. The frequency data for this variant in the population databases is considered unreliable, as metrics indicate poor data quality at this position in the ExAC database. This sequence change replaces arginine with cysteine at codon 8 of the SLC52A2 protein (p.Arg8Cys). The arginine residue is highly conserved and there is a large physicochemical difference between arginine and cysteine.